The following is an entry in ClinVar:

ClinVar aggregate classification (germline): Uncertain significance (1 of 4 stars; one submission).

Allele frequency attached by ClinVar (database versions not stated): ExAC 0.00002.

Submission:

Labcorp Genetics (formerly Invitae), Labcorp
Classification: Uncertain significance. Last evaluated: 2021-11-06. Review status: criteria provided, single submitter. Criteria: Invitae Variant Classification Sherloc (09022015). Collection method: clinical testing. Allele origin: germline.
Comment: This sequence change replaces leucine, which is neutral and non-polar, with phenylalanine, which is neutral and non-polar, at codon 172 of the CTSB protein (p.Leu172Phe). This variant is present in population databases (rs749392493, gnomAD 0.003%). This variant has not been reported in the literature in individuals affected with CTSB-related conditions. Algorithms developed to predict the effect of missense changes on protein structure and function are either unavailable or do not agree on the potential impact of this missense change (SIFT: "Not Available"; PolyPhen-2: "Possibly Damaging"; Align-GVGD: "Not Available"). In summary, the available evidence is currently insufficient to determine the role of this variant in disease. Therefore, it has been classified as a Variant of Uncertain Significance.

NM_001908.5(CTSB):c.514C>T (p.Leu172Phe)

Gene: CTSB (cathepsin B). Cytogenetic location: 8p23.1.
Variant type: single nucleotide variant.
Coding change: c.514C>T on transcript NM_001908.5 (MANE Select); coding-DNA position 514, C replaced by T.
Protein change: p.Leu172Phe; replaces leucine 172 with phenylalanine.
Molecular consequence: missense variant.
Genome position (GRCh38, 1-based): chr8:11,848,085, G>A on the plus strand (C>T on the coding strand, the complement: CTSB is on the minus strand). VCF-style: chr8-11848085-G-A. GRCh37 (hg19) VCF-style: chr8-11705594-G-A.
Other names: c.142C>T, p.Leu48Phe (NM_001317237.2); c.514C>T, p.Leu172Phe (NM_001384714.1, NM_001384723.1, NM_001384724.1 and 8 more transcripts); short protein forms L48F, L172F.
Identifiers: ClinVar variation 1446516 (VCV001446516.6), dbSNP rs749392493, ClinGen allele CA4632789.